The following is an entry in ClinVar:

ClinVar aggregate classification (germline): Likely benign (1 of 4 stars; one submission).

Allele frequency attached by ClinVar (database versions not stated): gnomAD 0.00001; gnomAD exomes 0.00001; TOPMed 0.00001.
gnomAD v4.1: 10 of 1,613,764 alleles (0.00062%); highest among the groups gnomAD compares: South Asian, 0.0022%; no homozygotes.

Submission:

Women's Health and Genetics/Laboratory Corporation of America, LabCorp
Classification: Likely benign. Last evaluated: 2024-02-21. Review status: criteria provided, single submitter. Criteria: LabCorp Variant Classification Summary - May 2015. Collection method: clinical testing. Allele origin: germline.
Comment: Variant summary: CHAMP1 c.815G>A (p.Arg272Gln) results in a conservative amino acid change in the encoded protein sequence. Five of five in-silico tools predict a benign effect of the variant on protein function. The variant allele was found at a frequency of 6.2e-06 in 1613764 control chromosomes (i.e. in 10 carriers) in the gnomAD database (v4.0 dataset). The occurrence in several carriers suggests that this variant is likely not associated with a high penetrance, severe, early onset disease phenotype in heterozygous state. To our knowledge, no occurrence of c.815G>A in individuals affected with Intellectual Disability, Autosomal Dominant 40 and no experimental evidence demonstrating its impact on protein function have been reported. No submitters have cited clinical-significance assessments for this variant to ClinVar. Based on the evidence outlined above, the variant was classified as likely benign.

NM_032436.4(CHAMP1):c.815G>A (p.Arg272Gln)

Gene: CHAMP1 (chromosome alignment maintaining phosphoprotein 1; plus strand). Cytogenetic location: 13q34.
Variant type: single nucleotide variant.
Coding change: c.815G>A on transcript NM_032436.4 (MANE Select); coding-DNA position 815, G replaced by A.
Protein change: p.Arg272Gln; replaces arginine 272 with glutamine.
Molecular consequence: missense variant.
Genome position (GRCh38, 1-based): chr13:114,324,657, G>A. VCF-style: chr13-114324657-G-A. GRCh37 (hg19) VCF-style: chr13-115090132-G-A.
Other names: c.815G>A, p.Arg272Gln (NM_001164144.3, NM_001164145.3); short protein forms R272Q.
Identifiers: ClinVar variation 3068786 (VCV003068786.2), dbSNP rs1555379557, ClinGen allele CA388847184.